The following is an entry in ClinVar:

ClinVar aggregate classification (germline): Likely benign. Review status: criteria provided, multiple submitters, no conflicts (2 of 4 stars). 2 submissions from 2 submitters: Likely benign (2). Last evaluated 2026-06-01.

Submissions (2):

CeGaT Center for Human Genetics Tuebingen
Classification: Likely benign. Last evaluated: 2026-06-01. Review status: criteria provided, single submitter. Criteria: CeGaT Center For Human Genetics Tuebingen Variant Classification Criteria Version 2. Collection method: clinical testing. Allele origin: germline. Affected: yes. Observed: 1 variant allele.
Comment: MYCN: BP4, BP7

Blueprint Genetics
Classification: Likely benign. Last evaluated: 2024-11-08. Review status: criteria provided, single submitter. Criteria: ACMG Guidelines, 2015. Collection method: clinical testing. Allele origin: germline.

NM_005378.6(MYCN):c.30G>A (p.Pro10=)

Genes: MYCN (MYCN proto-oncogene, bHLH transcription factor; plus strand), MYCNOS (MYCN opposite strand; minus strand). Cytogenetic location: 2p24.3.
Variant type: single nucleotide variant.
Coding change: c.30G>A on transcript NM_005378.6 (MANE Select); coding-DNA position 30, G replaced by A.
Protein change: p.Pro10=; no amino-acid change (proline 10 retained).
Molecular consequence: synonymous variant. On other transcripts: missense variant (1), intron variant (1).
Genome position (GRCh38, 1-based): chr2:15,942,094, G>A. VCF-style: chr2-15942094-G-A. GRCh37 (hg19) VCF-style: chr2-16082216-G-A.
Other names: c.30G>A, p.Pro10= (NM_001293228.2); c.304G>A, p.Gly102Arg (NM_001293233.2); c.157+1351G>A (NM_001293231.2); short protein forms G102R.
Identifiers: ClinVar variation 4872983 (VCV004872983.3).